The following is an entry in ClinVar:

NM_004656.4(BAP1):c.1842G>A (p.Gly614=)

Gene: BAP1 (BRCA1 associated deubiquitinase 1; minus strand). Cytogenetic location: 3p21.1.
Variant type: single nucleotide variant.
Coding change: c.1842G>A on transcript NM_004656.4 (MANE Select); coding-DNA position 1842, G replaced by A.
Protein change: p.Gly614=; no amino-acid change (glycine 614 retained).
Molecular consequence: synonymous variant.
Genome position (GRCh38, 1-based): chr3:52,403,186, C>T on the plus strand (G>A on the coding strand, the complement: BAP1 is on the minus strand). VCF-style: chr3-52403186-C-T. GRCh37 (hg19) VCF-style: chr3-52437202-C-T.
Identifiers: ClinVar variation 417286 (VCV000417286.13), dbSNP rs781269263, ClinGen allele CA2436702.
Genomic context (GRCh38, chr3:52,403,186, plus strand): 5'-ACGGAGGCTCACCTTGGGTGAGTATTTCTCCCCACTCAAGGGCTCGCCAGGCCTCACCAT[C>T]CCCGTCTTCTCTCTGCTGTCCGTGGCTTCCACGACCTCCTTCTCCACTGGGCTGCTGGAC-3'
Protein context (NP_004647.1, residues 604-624): VEATDSREKT[Gly614=]MVRPGEPLSG

ClinVar aggregate classification (germline): Conflicting classifications of pathogenicity. Review status: criteria provided, conflicting classifications (1 of 4 stars). 5 submissions from 5 submitters: Uncertain significance (1); Benign (1); Likely benign (3). Last evaluated 2025-03-31.

Conditions:
Hereditary cancer-predisposing syndrome. Also called: Tumor predisposition; Neoplastic Syndromes, Hereditary; Hereditary neoplastic syndrome; Hereditary Cancer Syndrome. Identifiers: Orphanet 140162, MedGen C0027672, MeSH D009386, MONDO:0015356.
BAP1-related tumor predisposition syndrome (TPDS1). Also called: BAP1 tumor predisposition syndrome; Tumor susceptibility linked to germline BAP1 mutations; COMMON Syndrome; TUMOR PREDISPOSITION SYNDROME 1. Identifiers: Orphanet 289539, MedGen C3280492, MONDO:0013692, OMIM 614327.

Allele frequency attached by ClinVar (database versions not stated): gnomAD exomes below 0.00001; ExAC 0.00002.
gnomAD v4.1: 1 of 1,614,166 alleles (0.000062%); highest among the groups gnomAD compares: South Asian, 0.0011%; no homozygotes.

Submissions (5):

GeneDx
Classification: Uncertain significance. Last evaluated: 2025-03-31. Review status: criteria provided, single submitter. Criteria: GeneDx Variant Classification Process June 2021. Collection method: clinical testing. Allele origin: germline. Affected: yes.
Comment: Not observed at significant frequency in large population cohorts (gnomAD); Has not been previously published as pathogenic or benign to our knowledge; In silico analysis suggests this variant may impact gene splicing. In the absence of RNA/functional studies, the actual effect of this sequence change is unknown.

Myriad Genetics, Inc.
Classification: Benign for BAP1-related tumor predisposition syndrome. Last evaluated: 2024-07-17. Review status: criteria provided, single submitter. Criteria: Myriad Autosomal Dominant, Autosomal Recessive and X-Linked Classification Criteria (2023). Collection method: clinical testing. Allele origin: unknown.
Comment: This variant is considered benign. This variant is a silent/synonymous amino acid change and it is not expected to impact splicing.

Labcorp Genetics (formerly Invitae), Labcorp
Classification: Likely benign for BAP1-related tumor predisposition syndrome. Last evaluated: 2024-07-09. Review status: criteria provided, single submitter. Criteria: Invitae Variant Classification Sherloc (09022015). Collection method: clinical testing. Allele origin: germline.

Ambry Genetics
Classification: Likely benign for Hereditary cancer-predisposing syndrome. Last evaluated: 2020-07-28. Review status: criteria provided, single submitter. Criteria: Ambry Variant Classification Scheme 2023. Collection method: clinical testing. Allele origin: germline.

Color Diagnostics, LLC DBA Color Health
Classification: Likely benign for Hereditary cancer-predisposing syndrome. Last evaluated: 2019-07-26. Review status: criteria provided, single submitter. Criteria: ACMG Guidelines, 2015. Collection method: clinical testing. Allele origin: germline.